The following is an entry in ClinVar:

NM_032217.5(ANKRD17):c.4543G>A (p.Ala1515Thr)

Gene: ANKRD17 (ankyrin repeat domain 17; minus strand). Cytogenetic location: 4q13.3.
Variant type: single nucleotide variant.
Coding change: c.4543G>A on transcript NM_032217.5 (MANE Select); coding-DNA position 4543, G replaced by A.
Protein change: p.Ala1515Thr; replaces alanine 1515 with threonine.
Molecular consequence: missense variant.
Genome position (GRCh38, 1-based): chr4:73,102,406, C>T on the plus strand (G>A on the coding strand, the complement: ANKRD17 is on the minus strand). VCF-style: chr4-73102406-C-T. GRCh37 (hg19) VCF-style: chr4-73968123-C-T.
Other names: c.4204G>A, p.Ala1402Thr (NM_001286771.3); c.4540G>A, p.Ala1514Thr (NM_015574.2); c.3790G>A, p.Ala1264Thr (NM_198889.3); short protein forms A1264T, A1402T, A1514T, A1515T.
Identifiers: ClinVar variation 2635573 (VCV002635573.3), dbSNP rs1381262048, ClinGen allele CA357205840.
Genomic context (GRCh38, chr4:73,102,406, plus strand): 5'-ACAAATGGGATGGTTGTTAAGAGAAAATACCTTCAACTTTAAGCTTTTCTTTTTCTTGAG[C>T]AGCTTGGAGTTCAAAGTTCTCTTTATTTTTGGCTTCAATTTCTTCTAGTTTCCTTCTTTG-3'
Protein context (NP_115593.3, residues 1505-1525): KNKENFELQA[Ala1515Thr]QEKEKLKVED

ClinVar aggregate classification (germline): Uncertain significance (0 of 4 stars; one submission).

Conditions:
ANKRD17-related disorder. Also called: ANKRD17-related condition.

Allele frequency attached by ClinVar (database versions not stated): gnomAD 0.00001; TOPMed 0.00003.
gnomAD v4.1: 5 of 1,590,056 alleles (0.00031%); highest among the groups gnomAD compares: Admixed American, 0.0057%; no homozygotes.

Submission:

PreventionGenetics, part of Exact Sciences
Classification: Uncertain significance for ANKRD17-related condition. Last evaluated: 2024-01-18. Review status: no assertion criteria provided. Collection method: clinical testing. Allele origin: germline.
Comment: The ANKRD17 c.4543G>A variant is predicted to result in the amino acid substitution p.Ala1515Thr. To our knowledge, this variant has not been reported in the literature. This variant is reported in 0.0035% of alleles in individuals of Latino descent in gnomAD. At this time, the clinical significance of this variant is uncertain due to the absence of conclusive functional and genetic evidence.